The following is an entry in ClinVar:

ClinVar aggregate classification (germline): Uncertain significance. Review status: criteria provided, multiple submitters, no conflicts (2 of 4 stars). 5 submissions from 5 submitters: Uncertain significance (5). Last evaluated 2026-09-17.

Conditions:
Factor I deficiency (CFID). Also called: Complement factor I deficiency. Identifiers: Orphanet 200418, MedGen C3463916, MONDO:0012594, OMIM 610984.
Age related macular degeneration 13. Identifiers: MedGen C3809523, MONDO:0014189, OMIM 615439.
Atypical hemolytic-uremic syndrome with I factor anomaly. Also called: HEMOLYTIC UREMIC SYNDROME, ATYPICAL, SUSCEPTIBILITY TO, 3; AHUS, SUSCEPTIBILITY TO, 3. Identifiers: Orphanet 2134, MedGen C2752039, MONDO:0013041, OMIM 612923.
CFI-related disorder. Also called: CFI-related condition; CFI-related disorders. Identifiers: MedGen CN239325.

Allele frequency attached by ClinVar (database versions not stated): ExAC 0.00002; gnomAD exomes 0.00004 and 0.00010; TOPMed 0.00006; ESP Exome Variant Server 0.00008; gnomAD 0.00008 and 0.00009.
gnomAD v4.1: 149 of 1,613,992 alleles (0.0092%); highest among the groups gnomAD compares: Non-Finnish European, 0.012%; no homozygotes.

Submissions (5):

Genomenon, Inc
Classification: Uncertain significance for CFI-related disorder. Last evaluated: 2026-09-17. Review status: criteria provided, single submitter. Criteria: Genomenon Sequence Variant Interpretation Standards - Updated. Collection method: curation. Allele origin: germline. Affected: yes.
Comment: CFI p.Val152Met (c.454G>A) is a missense variant that changes the amino acid at codon 152 from Valine to Methionine. This variant has been observed in at least one proband affected with a CFI-related disorder (PMID:20106822;32510551;27268256;35619721). Functional studies have been reported (PMID:32510551;21768352;32908800). It is absent or not present at a significant frequency in gnomAD. In conclusion, we classify CFI p.Val152Met (c.454G>A) as a variant of uncertain significance.

Labcorp Genetics (formerly Invitae), Labcorp
Classification: Uncertain significance. Last evaluated: 2025-08-04. Review status: criteria provided, single submitter. Criteria: Invitae Variant Classification Sherloc (09022015). Collection method: clinical testing. Allele origin: germline.
Comment: This sequence change replaces valine, which is neutral and non-polar, with methionine, which is neutral and non-polar, at codon 152 of the CFI protein (p.Val152Met). This variant is present in population databases (rs367677199, gnomAD 0.008%). This missense change has been observed in individual(s) with age-related macular degeneration, atypical hemolytic uremic syndrome, C3 glomerulopathy, and/or low serum FI (PMID: 20106822, 27268256, 29888403, 31440263, 32510551, 37369098). ClinVar contains an entry for this variant (Variation ID: 420176). Invitae Evidence Modeling of protein sequence and biophysical properties (such as structural, functional, and spatial information, amino acid conservation, physicochemical variation, residue mobility, and thermodynamic stability) indicates that this missense variant is expected to disrupt CFI protein function with a positive predictive value of 95%. Experimental studies are conflicting or provide insufficient evidence to determine the effect of this variant on CFI function (PMID: 28282489, 32510551). In summary, the available evidence is currently insufficient to determine the role of this variant in disease. Therefore, it has been classified as a Variant of Uncertain Significance.

Fulgent Genetics
Classification: Uncertain significance for Factor I deficiency; Atypical hemolytic-uremic syndrome with I factor anomaly; Age related macular degeneration 13. Last evaluated: 2024-06-10. Review status: criteria provided, single submitter. Criteria: ACMG Guidelines, 2015. Collection method: clinical testing. Allele origin: germline.

Illumina Laboratory Services, Illumina
Classification: Uncertain significance for Atypical hemolytic-uremic syndrome with I factor anomaly. Last evaluated: 2017-04-27. Review status: criteria provided, single submitter. Criteria: ICSL Variant Classification Criteria 13 December 2019. Collection method: clinical testing. Allele origin: germline.
Comment: This variant was observed as part of a predisposition screen in an ostensibly healthy population. A literature search was performed for the gene, cDNA change, and amino acid change (where applicable). Publications were found based on this search. However, the evidence from the literature, in combination with allele frequency data from public databases where available, was not sufficient to rule this variant in or out of causing disease. Therefore, this variant is classified as a variant of unknown significance.

GeneDx
Classification: Uncertain significance. Last evaluated: 2016-04-06. Review status: criteria provided, single submitter. Criteria: GeneDx Variant Classification (06012015). Collection method: clinical testing. Allele origin: germline. Affected: yes.
Comment: The V152M variant in the CFI gene has been reported previously in association with atypical hemolytic uricemic syndrome, and has also been seen in two individuals with advanced age-related macular degeneration (Westra et al., 2010; Seddon et al., 2013). This variant was not observed at any significant frequency in approximately 6500 individuals of European and African American ancestry in the NHLBI Exome Sequencing Project, indicating it is not a common benign variant in these populations. The V152M variant is a conservative amino acid substitution, which is not likely to impact secondary protein structure as these residues share similar properties. However, this substitution occurs at a position that is conserved across species, and in silico analysis predicts this variant is probably damaging to the protein structure/function. We interpret V152M as a variant of uncertain significance.

Literature cited by the submitters: PubMed 20106822 (cited by 3 submitters); PubMed 32510551 (cited by Genomenon, Inc and Labcorp Genetics (formerly Invitae), Labcorp); PubMed 27268256 (cited by Genomenon, Inc and Labcorp Genetics (formerly Invitae), Labcorp); PubMed 35619721 (cited by Genomenon, Inc); PubMed 21768352 (cited by Genomenon, Inc); PubMed 32908800 (cited by Genomenon, Inc); PubMed 29888403 (cited by Labcorp Genetics (formerly Invitae), Labcorp); PubMed 31440263 (cited by Labcorp Genetics (formerly Invitae), Labcorp); PubMed 37369098 (cited by Labcorp Genetics (formerly Invitae), Labcorp); PubMed 28282489 (cited by Labcorp Genetics (formerly Invitae), Labcorp).

NM_000204.5(CFI):c.454G>A (p.Val152Met)

Gene: CFI (complement factor I; minus strand). Cytogenetic location: 4q25.
Variant type: single nucleotide variant.
Coding change: c.454G>A on transcript NM_000204.5 (MANE Select); coding-DNA position 454, G replaced by A.
Protein change: p.Val152Met; replaces valine 152 with methionine.
Molecular consequence: missense variant. On other transcripts: non-coding transcript variant (3), intron variant (1).
Genome position (GRCh38, 1-based): chr4:109,764,565, C>T on the plus strand (G>A on the coding strand, the complement: CFI is on the minus strand). VCF-style: chr4-109764565-C-T. GRCh37 (hg19) VCF-style: chr4-110685721-C-T.
Other names: c.454G>A, p.Val152Met (NM_001318057.2, NM_001331035.2, NM_001375278.1 and 5 more transcripts); c.-127-2873G>A (NM_001375284.1); short protein forms V152M.
Identifiers: ClinVar variation 420176 (VCV000420176.17), dbSNP rs367677199, ClinGen allele CA3042270.
Genomic context (GRCh38, chr4:109,764,565, plus strand): 5'-CCATGAGAAAATCCACTGATACAAGCGCTCACTGTTGAAACCCAAGGTCAAGGCAGGCCA[C>T]GTTGGCTTCCCTCATGCTCCAGCTGCTTTTGCATATGAACATTGTCTTATCTTGGTCCAC-3'
Protein context (NP_000195.3, residues 142-162): KSSWSMREAN[Val152Met]ACLDLGFQQG